The following is an entry in ClinVar:

ClinVar aggregate classification (germline): Likely pathogenic (3 of 4 stars; one submission).

Conditions:
Bernard Soulier syndrome (BSS). Also called: GLYCOPROTEIN Ib, PLATELET, DEFICIENCY OF; PLATELET GLYCOPROTEIN Ib DEFICIENCY; VON WILLEBRAND FACTOR RECEPTOR DEFICIENCY; Giant platelet syndrome; Hemorrhagiparous thrombocytic dystrophy; Giant platelet disease. Identifiers: Orphanet 274, MedGen C0005129, MeSH D001606, MONDO:0009276, OMIM 231200.

Submission:

ClinGen Platelet Disorders Variant Curation Expert Panel, ClinGen
Classification: Likely pathogenic for Bernard Soulier syndrome. Last evaluated: 2025-11-06. Review status: reviewed by expert panel. Criteria: ClinGen Platelet ACMG Specifications GP1BA V1.0.0. Collection method: curation. Allele origin: germline. Inheritance: Autosomal recessive inheritance.
Comment: The c.932_933del (p.Val311GlyfsTer39) variant in GP1BA is a frameshift variant that may cause loss of function of the protein, however it is predicted to escape nonsense mediated decay and remove >10% of the protein (PVS1_Strong). At least one patient (Patient 1 in PMID: 9241731) with this variant had aggregation absent for ristocetin and present for all other agonists and less than 10% expression of GPIba measured by Western blot, which is highly specific for Bernard-Soulier syndrome. Additionally, the patient had excessive mucocutaneous bleeding and macrothrombocytopenia which are consistent with Bernard-Soulier syndrome (PP4). This variant is absent from gnomAD v4.1.0 (PM2_Supporting). In summary, this variant meets the criteria to be classified as Likely Pathogenic for autosomal recessive Bernard-Soulier syndrome based on the ACMG/AMP criteria applied, as specified by the ClinGen PD VCEP: PVS1_Strong, PP4, PM3_Supporting and PM2_Supporting (VCEP specifications version 1).

NM_000173.7(GP1BA):c.932_933del (p.Val311fs)

Gene: GP1BA (glycoprotein Ib platelet subunit alpha; plus strand). Cytogenetic location: 17p13.2.
Variant type: Microsatellite.
Coding change: c.932_933del on transcript NM_000173.7 (MANE Select); coding-DNA positions 932 to 933, 2 bases deleted (TG; older notation c.932_933delTG).
Protein change: p.Val311fs; shifts the reading frame from valine 311.
Molecular consequence: frameshift variant.
Genome position (GRCh38, 1-based): chr17:4,933,536-4,933,537, TG deleted; deleting any 2 consecutive bases within chr17:4,933,534-4,933,537 gives the same sequence; the c. name uses the placement nearest the transcript's 3' end. VCF-style (leftmost placement, unchanged base first): chr17-4933533-CTG-C. GRCh37 (hg19) VCF-style: chr17-4836828-CTG-C.
Other names: NM_000173.7:c.932_933del; short protein forms V311fs.
Identifiers: ClinVar variation 4539004 (VCV004539004.1).